The following is an entry in ClinVar:

ClinVar aggregate classification (germline): Uncertain significance (1 of 4 stars; one submission).

Conditions:
Hereditary cancer-predisposing syndrome. Also called: Hereditary Cancer Syndrome; Tumor predisposition; Hereditary neoplastic syndrome; Neoplastic Syndromes, Hereditary. Identifiers: Orphanet 140162, MedGen C0027672, MeSH D009386, MONDO:0015356.

Submission:

Ambry Genetics
Classification: Uncertain significance for Hereditary cancer-predisposing syndrome. Last evaluated: 2024-04-09. Review status: criteria provided, single submitter. Criteria: Ambry Variant Classification Scheme 2023. Collection method: clinical testing. Allele origin: germline.
Comment: The p.F1005V variant (also known as c.3013T>G), located in coding exon 19 of the BRIP1 gene, results from a T to G substitution at nucleotide position 3013. The phenylalanine at codon 1005 is replaced by valine, an amino acid with highly similar properties. This amino acid position is conserved. In addition, this alteration is predicted to be tolerated by in silico analysis. Based on the available evidence, the clinical significance of this variant remains unclear.

NM_032043.3(BRIP1):c.3013T>G (p.Phe1005Val)

Gene: BRIP1 (BRCA1 interacting DNA helicase 1; minus strand). Cytogenetic location: 17q23.2.
Variant type: single nucleotide variant.
Coding change: c.3013T>G on transcript NM_032043.3 (MANE Select); coding-DNA position 3013, T replaced by G.
Protein change: p.Phe1005Val; replaces phenylalanine 1005 with valine.
Molecular consequence: missense variant.
Genome position (GRCh38, 1-based): chr17:61,684,033, A>C on the plus strand (T>G on the coding strand, the complement: BRIP1 is on the minus strand). VCF-style: chr17-61684033-A-C. GRCh37 (hg19) VCF-style: chr17-59761394-A-C.
Other names: short protein forms F1005V.
Identifiers: ClinVar variation 3261801 (VCV003261801.1).
Genomic context (GRCh38, chr17:61,684,033, plus strand): 5'-ACCCGAGCTCAGGTGTTGCCTTCGGTATTTTACCAGTAAAATACTGTCCCAAAGAATTAA[A>C]GCTTGACCAGCTAACTCTCTTTGTTTGTTTGTTGAAAGTTGGGCTTGTGGATCTGGAAAT-3'
Protein context (NP_114432.2, residues 995-1015): KQTKRVSWSS[Phe1005Val]NSLGQYFTGK